The following is an entry in ClinVar:

NM_006270.5(RRAS):c.175G>C (p.Asp59His)

Gene: RRAS (RAS related; minus strand). Cytogenetic location: 19q13.33.
Variant type: single nucleotide variant.
Coding change: c.175G>C on transcript NM_006270.5 (MANE Select); coding-DNA position 175, G replaced by C.
Protein change: p.Asp59His; replaces aspartic acid 59 with histidine.
Molecular consequence: missense variant.
Genome position (GRCh38, 1-based): chr19:49,637,109, C>G on the plus strand (G>C on the coding strand, the complement: RRAS is on the minus strand). VCF-style: chr19-49637109-C-G. GRCh37 (hg19) VCF-style: chr19-50140366-C-G.
Other names: c.175G>C (NM_006270.3); short protein forms D59H.
Identifiers: ClinVar variation 575349 (VCV000575349.12), dbSNP rs775437600, ClinGen allele CA9579127.

ClinVar aggregate classification (germline): Uncertain significance. Review status: criteria provided, multiple submitters, no conflicts (2 of 4 stars). 3 submissions from 3 submitters: Uncertain significance (3). Last evaluated 2025-12-07.

Conditions:
Noonan syndrome (NS). Also called: Noonan's syndrome. Identifiers: Orphanet 648, MedGen C0028326, MeSH D009634, MONDO:0018997. Disease mechanism: gain of function.

Allele frequency attached by ClinVar (database versions not stated): ExAC 0.00001; gnomAD exomes 0.00001; TOPMed 0.00002; gnomAD 0.00003.

Submissions (3):

Labcorp Genetics (formerly Invitae), Labcorp
Classification: Uncertain significance for Noonan syndrome. Last evaluated: 2025-12-07. Review status: criteria provided, single submitter. Criteria: Invitae Variant Classification Sherloc (09022015). Collection method: clinical testing. Allele origin: germline.
Comment: This sequence change replaces aspartic acid, which is acidic and polar, with histidine, which is basic and polar, at codon 59 of the RRAS protein (p.Asp59His). This variant is present in population databases (rs775437600, gnomAD 0.003%). This variant has not been reported in the literature in individuals affected with RRAS-related conditions. ClinVar contains an entry for this variant (Variation ID: 575349). An algorithm developed to predict the effect of missense changes on protein structure and function (PolyPhen-2) suggests that this variant is likely to be disruptive. In summary, the available evidence is currently insufficient to determine the role of this variant in disease. Therefore, it has been classified as a Variant of Uncertain Significance.

Ambry Genetics
Classification: Uncertain significance. Last evaluated: 2025-07-15. Review status: criteria provided, single submitter. Criteria: Ambry Variant Classification Scheme 2023. Collection method: clinical testing. Allele origin: germline.

Blueprint Genetics
Classification: Uncertain significance. Last evaluated: 2024-09-09. Review status: criteria provided, single submitter. Criteria: ACMG Guidelines, 2015. Collection method: clinical testing. Allele origin: germline.